The following is an entry in ClinVar:

NM_033028.5(BBS4):c.643-2A>T

Gene: BBS4 (Bardet-Biedl syndrome 4; plus strand). Cytogenetic location: 15q24.1.
Variant type: single nucleotide variant.
Coding change: c.643-2A>T on transcript NM_033028.5 (MANE Select); the canonical splice acceptor site of the intron before coding-DNA position 643, A replaced by T.
Molecular consequence: splice acceptor variant. On other transcripts: intron variant (1).
Genome position (GRCh38, 1-based): chr15:72,729,614, A>T. VCF-style: chr15-72729614-A-T. GRCh37 (hg19) VCF-style: chr15-73021955-A-T.
Other names: c.642+1620A>T (NM_001320665.2); c.127-2A>T (NM_001252678.2).
Identifiers: ClinVar variation 4710801 (VCV004710801.1).
Genomic context (GRCh38, chr15:72,729,614, plus strand): 5'-CAGACTCTTTTAACTGCCGTCTCCTTGCTGATGTAAATTGTCTTGTTTGCTTTTTTTCCA[A>T]GCTCGGCATTTACCAGAAGGCATTTGAACATCTTGGCAATGCACTGACTTATGACCCTAC-3'

ClinVar aggregate classification (germline): Likely pathogenic (1 of 4 stars; one submission).

Conditions:
Bardet-Biedl syndrome (BBS). Identifiers: Orphanet 110, MedGen C0752166, MONDO:0015229.

gnomAD v4.1: 1 of 1,613,818 alleles (0.000062%); highest among the groups gnomAD compares: Non-Finnish European, 0.000085%; no homozygotes.

Submission:

Labcorp Genetics (formerly Invitae), Labcorp
Classification: Likely pathogenic for Bardet-Biedl syndrome. Last evaluated: 2025-10-11. Review status: criteria provided, single submitter. Criteria: Invitae Variant Classification Sherloc (09022015). Collection method: clinical testing. Allele origin: germline.
Comment: This sequence change affects an acceptor splice site in intron 9 of the BBS4 gene. It is expected to disrupt RNA splicing. Variants that disrupt the donor or acceptor splice site typically lead to a loss of protein function (PMID: 16199547), and loss-of-function variants in BBS4 are known to be pathogenic (PMID: 11381270, 12016587, 20177705, 26355662, 27894351). This variant is not present in population databases (gnomAD no frequency). Disruption of this splice site has been observed in individual(s) with BBS4-related conditions (PMID: 36460718). Algorithms developed to predict the effect of sequence changes on RNA splicing suggest that this variant may disrupt the consensus splice site. In summary, the currently available evidence indicates that the variant is pathogenic, but additional data are needed to prove that conclusively. Therefore, this variant has been classified as Likely Pathogenic.

Literature cited by the submitters: PubMed 16199547; PubMed 11381270; PubMed 12016587; PubMed 20177705; PubMed 26355662; PubMed 27894351; PubMed 36460718.